The following is an entry in ClinVar:

NM_032620.4(GTPBP3):c.-16C>G

Gene: GTPBP3 (GTP binding protein 3, mitochondrial; plus strand). Cytogenetic location: 19p13.11.
Variant type: single nucleotide variant.
Coding change: c.-16C>G on transcript NM_032620.4 (MANE Select); 16 bases upstream of the start codon, C replaced by G.
Molecular consequence: 5 prime UTR variant. On other transcripts: intron variant (1).
Genome position (GRCh38, 1-based): chr19:17,337,596, C>G. VCF-style: chr19-17337596-C-G. GRCh37 (hg19) VCF-style: chr19-17448405-C-G.
Other names: c.-16C>G (NM_001128855.3, NM_133644.4); c.120-412C>G (NM_001195422.1).
Identifiers: ClinVar variation 1804851 (VCV001804851.1), dbSNP rs1441462634, ClinGen allele CA632041409.

ClinVar aggregate classification (germline): Uncertain significance (1 of 4 stars; one submission).

Allele frequency attached by ClinVar (database versions not stated): gnomAD 0.00003; TOPMed 0.00003; gnomAD exomes 0.00009.
gnomAD v4.1: 104 of 1,315,038 alleles (0.0079%); highest among the groups gnomAD compares: Non-Finnish European, 0.0095%; no homozygotes.

Submission:

Women's Health and Genetics/Laboratory Corporation of America, LabCorp
Classification: Uncertain significance. Last evaluated: 2022-11-04. Review status: criteria provided, single submitter. Criteria: LabCorp Variant Classification Summary - May 2015. Collection method: clinical testing. Allele origin: germline.
Comment: Variant summary: GTPBP3 c.-16C>G alters a non-conservative nucleotide in the untranslated mRNA region upstream of the initiation codon. The variant allele was found at a frequency of 3.3e-05 in 150932 control chromosomes (gnomAD v3.1.2). The available data on variant occurrences in the general population are insufficient to allow any conclusion about variant significance. To our knowledge, no occurrence of c.-16C>G in individuals affected with Combined Oxidative Phosphorylation Defect Type 23 and no experimental evidence demonstrating its impact on protein function have been reported. No clinical diagnostic laboratories have submitted clinical-significance assessments for this variant to ClinVar after 2014. Based on the evidence outlined above, the variant was classified as uncertain significance.